The following is an entry in ClinVar:

ClinVar aggregate classification (germline): Uncertain significance. Review status: criteria provided, multiple submitters, no conflicts (2 of 4 stars). 3 submissions from 3 submitters: Uncertain significance (3). Last evaluated 2023-12-21.

Conditions:
Colorectal cancer. Also called: Malignant Colorectal Neoplasm; Colorectal cancer, somatic. Identifiers: MedGen C0346629, MONDO:0005575, OMIM 114500.
Hereditary cancer-predisposing syndrome. Also called: Neoplastic Syndromes, Hereditary; Hereditary Cancer Syndrome; Tumor predisposition; Hereditary neoplastic syndrome. Identifiers: Orphanet 140162, MedGen C0027672, MeSH D009386, MONDO:0015356.
Oligodontia-cancer predisposition syndrome. Also called: TOOTH AGENESIS-COLORECTAL CANCER SYNDROME. Identifiers: Orphanet 300576, MedGen C1837750, MONDO:0012075, OMIM 608615. Disease mechanism: loss of function.

Allele frequency attached by ClinVar (database versions not stated): gnomAD exomes below 0.00001; gnomAD 0.00001; TOPMed 0.00001.
gnomAD v4.1: 6 of 1,614,070 alleles (0.00037%); highest among the groups gnomAD compares: Non-Finnish European, 0.00051%; no homozygotes.

Submissions (3):

Baylor Genetics
Classification: Uncertain significance for Colorectal cancer. Last evaluated: 2023-12-21. Review status: criteria provided, single submitter. Criteria: ACMG Guidelines, 2015. Collection method: clinical testing. Allele origin: unknown.

Ambry Genetics
Classification: Uncertain significance for Hereditary cancer-predisposing syndrome. Last evaluated: 2023-03-29. Review status: criteria provided, single submitter. Criteria: Ambry Variant Classification Scheme 2023. Collection method: clinical testing. Allele origin: germline.
Comment: The p.T227A variant (also known as c.679A>G), located in coding exon 1 of the AXIN2 gene, results from an A to G substitution at nucleotide position 679. The threonine at codon 227 is replaced by alanine, an amino acid with similar properties. This amino acid position is well conserved in available vertebrate species. In addition, the in silico prediction for this alteration is inconclusive. Since supporting evidence is limited at this time, the clinical significance of this alteration remains unclear.

Labcorp Genetics (formerly Invitae), Labcorp
Classification: Uncertain significance for Oligodontia-cancer predisposition syndrome. Last evaluated: 2021-10-19. Review status: criteria provided, single submitter. Criteria: Invitae Variant Classification Sherloc (09022015). Collection method: clinical testing. Allele origin: germline.
Comment: This sequence change replaces threonine with alanine at codon 227 of the AXIN2 protein (p.Thr227Ala). The threonine residue is highly conserved and there is a small physicochemical difference between threonine and alanine. This variant is not present in population databases (ExAC no frequency). This variant has not been reported in the literature in individuals affected with AXIN2-related conditions. Algorithms developed to predict the effect of missense changes on protein structure and function (SIFT, PolyPhen-2, Align-GVGD) all suggest that this variant is likely to be disruptive. In summary, the available evidence is currently insufficient to determine the role of this variant in disease. Therefore, it has been classified as a Variant of Uncertain Significance.

NM_004655.4(AXIN2):c.679A>G (p.Thr227Ala)

Gene: AXIN2 (axin 2; minus strand). Cytogenetic location: 17q24.1.
Variant type: single nucleotide variant.
Coding change: c.679A>G on transcript NM_004655.4 (MANE Select); coding-DNA position 679, A replaced by G.
Protein change: p.Thr227Ala; replaces threonine 227 with alanine.
Molecular consequence: missense variant.
Genome position (GRCh38, 1-based): chr17:65,557,942, T>C on the plus strand (A>G on the coding strand, the complement: AXIN2 is on the minus strand). VCF-style: chr17-65557942-T-C. GRCh37 (hg19) VCF-style: chr17-63554060-T-C.
Other names: c.679A>G, p.Thr227Ala (NM_001363813.1); short protein forms T227A.
Identifiers: ClinVar variation 1037651 (VCV001037651.10), dbSNP rs1483174622, ClinGen allele CA400680508.